The following is an entry in ClinVar:

NM_001007527.2(LMBRD2):c.1555A>C (p.Met519Leu)

Gene: LMBRD2 (LMBR1 domain containing 2; minus strand). Cytogenetic location: 5p13.2.
Variant type: single nucleotide variant.
Coding change: c.1555A>C on transcript NM_001007527.2 (MANE Select); coding-DNA position 1555, A replaced by C.
Protein change: p.Met519Leu; replaces methionine 519 with leucine.
Molecular consequence: missense variant.
Genome position (GRCh38, 1-based): chr5:36,114,509, T>G on the plus strand (A>C on the coding strand, the complement: LMBRD2 is on the minus strand). VCF-style: chr5-36114509-T-G. GRCh37 (hg19) VCF-style: chr5-36114611-T-G.
Other names: short protein forms M519L.
Identifiers: ClinVar variation 3370619 (VCV003370619.1).

ClinVar aggregate classification (germline): Uncertain significance (1 of 4 stars; one submission).

gnomAD v4.1: 1 of 1,553,588 alleles (0.000064%); highest among the groups gnomAD compares: Non-Finnish European, 0.000086%; no homozygotes.

Submission:

GeneDx
Classification: Uncertain significance. Last evaluated: 2024-03-12. Review status: criteria provided, single submitter. Criteria: GeneDx Variant Classification Process June 2021. Collection method: clinical testing. Allele origin: germline. Affected: yes.
Comment: Not observed at significant frequency in large population cohorts (gnomAD); In silico analysis supports that this missense variant does not alter protein structure/function; Has not been previously published as pathogenic or benign to our knowledge